The following is an entry in ClinVar:

NM_005410.4(SELENOP):c.1133G>C

Genes: CCDC152 (coiled-coil domain containing 152; plus strand), SELENOP (selenoprotein P; minus strand). Cytogenetic location: 5p12.
Variant type: single nucleotide variant.
Coding change: c.1133G>C on transcript NM_005410.4 (MANE Select); coding-DNA position 1133, G replaced by C.
Molecular consequence: 3 prime UTR variant (on NM_001134848.2).
Genome position (GRCh38, 1-based): chr5:42,800,733, C>G on the plus strand (G>C on the coding strand, the complement: SELENOP is on the minus strand). VCF-style: chr5-42800733-C-G. GRCh37 (hg19) VCF-style: chr5-42800835-C-G.
Other names: c.*952C>G (NM_001134848.2); c.1133G>C (NM_001085486.3); c.1223G>C (NM_001093726.3).
Identifiers: ClinVar variation 3439366 (VCV003439366.1).

ClinVar aggregate classification (germline): Uncertain significance (1 of 4 stars; one submission).

gnomAD v4.1: 8 of 1,603,906 alleles (0.0005%); highest among the groups gnomAD compares: Non-Finnish European, 0.0006%; no homozygotes.

Submission:

Ambry Genetics
Classification: Uncertain significance. Last evaluated: 2024-07-22. Review status: criteria provided, single submitter. Criteria: Ambry Variant Classification Scheme 2023. Collection method: clinical testing. Allele origin: germline.
Comment: The c.1133G>C (p.U378S) alteration is located in exon 5 (coding exon 4) of the SEPP1 gene. This alteration results from a G to C substitution at nucleotide position 1133, causing the None (U) at amino acid position 378 to be replaced by a serine (S). Based on insufficient or conflicting evidence, the clinical significance of this alteration remains unclear.